The following is an entry in ClinVar:

ClinVar aggregate classification (germline): Uncertain significance. Review status: criteria provided, multiple submitters, no conflicts (2 of 4 stars). 2 submissions from 2 submitters: Uncertain significance (2). Last evaluated 2025-10-14.

Conditions:
Familial thoracic aortic aneurysm and aortic dissection (TAAD). Also called: Thoracic aortic aneurysms and dissections. Identifiers: Orphanet 91387, MedGen C4707243, MONDO:0019625.
Frontometaphyseal dysplasia (FMD1). Identifiers: Orphanet 1826, MedGen C0265293, MONDO:0015942.
Melnick-Needles syndrome (MNS). Also called: MELNICK-NEEDLES OSTEODYSPLASTY; OSTEODYSPLASTY OF MELNICK AND NEEDLES; Melnick-Needles Syndrome (FLNA-MNS). Identifiers: Orphanet 2484, MedGen C0025237, MONDO:0010650, OMIM 309350.
Oto-palato-digital syndrome, type II (OPD2). Also called: FACIOPALATOOSSEOUS SYNDROME; Otopalatodigital Syndrome, Type II; OPD II SYNDROME; Otopalatodigital Syndrome Type 2 (FLNA-OPD2). Identifiers: Orphanet 669, Orphanet 90652, MedGen C1844696, MONDO:0010571, OMIM 304120.
Heterotopia, periventricular, X-linked dominant (PVNH1). Also called: PERIVENTRICULAR NODULAR HETEROTOPIA 1; X-linked periventricular heterotopia; PERIVENTRICULAR NODULAR HETEROTOPIA 4; HETEROTOPIA, PERIVENTRICULAR, 1. Identifiers: Orphanet 2149, Orphanet 82004, MedGen C1848213, MONDO:0010233, OMIM 300049.

Allele frequency attached by ClinVar (database versions not stated): gnomAD exomes below 0.00001 and 0.00001.
gnomAD v4.1: 3 of 1,210,992 alleles (0.00025%); highest among the groups gnomAD compares: South Asian, 0.0018%; no homozygotes.

Submissions (2):

Labcorp Genetics (formerly Invitae), Labcorp
Classification: Uncertain significance for Oto-palato-digital syndrome, type II; Heterotopia, periventricular, X-linked dominant; Frontometaphyseal dysplasia; Melnick-Needles syndrome. Last evaluated: 2025-10-14. Review status: criteria provided, single submitter. Criteria: Invitae Variant Classification Sherloc (09022015). Collection method: clinical testing. Allele origin: germline.
Comment: This sequence change falls in intron 4 of the FLNA gene. It does not directly change the encoded amino acid sequence of the FLNA protein. It affects a nucleotide within the consensus splice site. This variant is present in population databases (no rsID available, gnomAD 0.005%). This variant has not been reported in the literature in individuals affected with FLNA-related conditions. ClinVar contains an entry for this variant (Variation ID: 1008351). Variants that disrupt the consensus splice site are a relatively common cause of aberrant splicing (PMID: 17576681, 9536098). Algorithms developed to predict the effect of sequence changes on RNA splicing suggest that this variant is not likely to affect RNA splicing. In summary, the available evidence is currently insufficient to determine the role of this variant in disease. Therefore, it has been classified as a Variant of Uncertain Significance.

Ambry Genetics
Classification: Uncertain significance for Familial thoracic aortic aneurysm and aortic dissection. Last evaluated: 2025-09-17. Review status: criteria provided, single submitter. Criteria: Ambry Variant Classification Scheme 2023. Collection method: clinical testing. Allele origin: germline.
Comment: The c.720+4C>T intronic variant results from a C to T substitution 4 nucleotides after coding exon 3 in the FLNA gene. This nucleotide position is poorly conserved in available vertebrate species. In silico splice site analysis predicts that this alteration will not have any significant effect on splicing. Based on data from gnomAD, the T allele has an overall frequency of <0.01% (1/181117) total alleles studied, with 0 hemizygote(s) observed. The highest observed frequency was <0.01% (1/19063) of South Asian alleles. Based on the available evidence, the clinical significance of this variant remains unclear.

Literature cited by the submitters: PubMed 17576681 (cited by Labcorp Genetics (formerly Invitae), Labcorp); PubMed 9536098 (cited by Labcorp Genetics (formerly Invitae), Labcorp).

NM_001110556.2(FLNA):c.720+4C>T

Gene: FLNA (filamin A; minus strand). Cytogenetic location: Xq28.
Variant type: single nucleotide variant.
Coding change: c.720+4C>T on transcript NM_001110556.2 (MANE Select); 4 bases into the intron after coding-DNA position 720, C replaced by T.
Molecular consequence: intron variant.
Genome position (GRCh38, 1-based): chrX:154,367,637, G>A on the plus strand (C>T on the coding strand, the complement: FLNA is on the minus strand). VCF-style: chrX-154367637-G-A. GRCh37 (hg19) VCF-style: chrX-153596005-G-A.
Other names: c.720+4C>T (NM_001456.4, NM_001456.3).
Identifiers: ClinVar variation 1008351 (VCV001008351.8), dbSNP rs1557179583, ClinGen allele CA645290409.